The following is an entry in ClinVar:

NM_001374736.1(DST):c.16070A>G (p.Glu5357Gly)

Gene: DST (dystonin; minus strand). Cytogenetic location: 6p12.1.
Variant type: single nucleotide variant.
Coding change: c.16070A>G on transcript NM_001374736.1 (MANE Select); coding-DNA position 16070, A replaced by G.
Protein change: p.Glu5357Gly; replaces glutamic acid 5357 with glycine.
Molecular consequence: missense variant.
Genome position (GRCh38, 1-based): chr6:56,552,722, T>C on the plus strand (A>G on the coding strand, the complement: DST is on the minus strand). VCF-style: chr6-56552722-T-C. GRCh37 (hg19) VCF-style: chr6-56417520-T-C.
Other names: c.9713A>G, p.Glu3238Gly (NM_001144769.5); c.9299A>G, p.Glu3100Gly (NM_001144770.2); c.16070A>G, p.Glu5357Gly (NM_001374722.1); c.15437A>G, p.Glu5146Gly (NM_001374729.1); c.9179A>G, p.Glu3060Gly (NM_001374730.1, NM_001386100.1, NM_183380.4); c.16097A>G, p.Glu5366Gly (NM_001374734.1); c.8201A>G, p.Glu2734Gly (NM_015548.5); short protein forms E3060G, E5146G, E3100G, E3238G, E5366G, E5357G, E2734G.
Identifiers: ClinVar variation 1484877 (VCV001484877.6), dbSNP rs1381740492, ClinGen allele CA364514441.

ClinVar aggregate classification (germline): Uncertain significance (1 of 4 stars; one submission).

Conditions:
Hereditary sensory and autonomic neuropathy type 6. Also called: HSAN VI; Neuropathy, hereditary sensory and autonomic, type VI. Identifiers: Orphanet 314381, MedGen C3539003, MONDO:0013839, OMIM 614653.
Epidermolysis bullosa simplex 3, localized or generalized intermediate, with BP230 deficiency (EBS3). Also called: Epidermolysis bullosa simplex, autosomal recessive 2; Epidermolysis bullosa simplex due to BP230 deficiency. Identifiers: Orphanet 412181, MedGen C3809470, MONDO:0014180, OMIM 615425.

Allele frequency attached by ClinVar (database versions not stated): gnomAD exomes below 0.00001.
gnomAD v4.1: 1 of 1,612,472 alleles (0.000062%); highest among the groups gnomAD compares: Non-Finnish European, 0.000085%; no homozygotes.

Submission:

Labcorp Genetics (formerly Invitae), Labcorp
Classification: Uncertain significance for Epidermolysis bullosa simplex 3, localized or generalized intermediate, with BP230 deficiency; Hereditary sensory and autonomic neuropathy type 6. Last evaluated: 2021-04-05. Review status: criteria provided, single submitter. Criteria: Invitae Variant Classification Sherloc (09022015). Collection method: clinical testing. Allele origin: germline.
Comment: Experimental studies and prediction algorithms are not available or were not evaluated, and the functional significance of this variant is currently unknown. This variant has not been reported in the literature in individuals with DST-related conditions. This sequence change replaces glutamic acid with glycine at codon 2734 of the DST protein (p.Glu2734Gly). The DST gene has multiple clinically relevant transcripts. This variant occurs in alternate transcript NM_015548.4, and corresponds to NM_001723.5:c.*62795A>G in the primary transcript. This variant is not present in population databases (ExAC no frequency). In summary, the available evidence is currently insufficient to determine the role of this variant in disease. Therefore, it has been classified as a Variant of Uncertain Significance.